The following is an entry in ClinVar:

NM_000642.3(AGL):c.437del (p.Arg146fs)

Gene: AGL (amylo-alpha-1,6-glucosidase and 4-alpha-glucanotransferase; plus strand). Cytogenetic location: 1p21.2.
Variant type: Deletion.
Coding change: c.437del on transcript NM_000642.3 (MANE Select); coding-DNA position 437, one base deleted (G; older notation c.437delG).
Protein change: p.Arg146fs; shifts the reading frame from arginine 146.
Molecular consequence: frameshift variant.
Genome position (GRCh38, 1-based): chr1:99,862,400, G deleted. VCF-style (leftmost placement, unchanged base first): chr1-99862399-AG-A. GRCh37 (hg19) VCF-style: chr1-100327955-AG-A.
Other names: c.437delG, p.Arg146Asnfs (NM_000028.3, NM_000643.3, NM_000644.3 and 5 more transcripts); c.389delG, p.Arg130Asnfs (NM_000646.3); short protein forms R130fs, R146fs.
Identifiers: ClinVar variation 371529 (VCV000371529.5), dbSNP rs1057517344, ClinGen allele CA16040825.

ClinVar aggregate classification (germline): Pathogenic. Review status: criteria provided, single submitter (1 of 4 stars). 2 submissions from 2 submitters: Pathogenic (1). 1 of the submissions does not count toward it. Last evaluated 2024-10-30.

Conditions:
Glycogen storage disease type III (GSD3). Also called: Cori disease; FORBES DISEASE. Identifiers: Orphanet 366, MedGen C0017922, MONDO:0009291, OMIM 232400.

Submissions (2):

Labcorp Genetics (formerly Invitae), Labcorp
Classification: Pathogenic for Glycogen storage disease type III. Last evaluated: 2024-10-30. Review status: criteria provided, single submitter. Criteria: Invitae Variant Classification Sherloc (09022015). Collection method: clinical testing. Allele origin: germline.
Comment: This sequence change creates a premature translational stop signal (p.Arg146Asnfs*12) in the AGL gene. It is expected to result in an absent or disrupted protein product. Loss-of-function variants in AGL are known to be pathogenic (PMID: 19299494). This variant is not present in population databases (gnomAD no frequency). This variant has not been reported in the literature in individuals affected with AGL-related conditions. ClinVar contains an entry for this variant (Variation ID: 371529). For these reasons, this variant has been classified as Pathogenic.

Counsyl
Classification: Likely pathogenic for Glycogen storage disease type III. Last evaluated: 2016-10-11. Review status: no assertion criteria provided. Collection method: clinical testing. Allele origin: unknown. Not counted in ClinVar's aggregate classification.

Literature cited by the submitters: PubMed 19299494 (cited by Labcorp Genetics (formerly Invitae), Labcorp).